The following is an entry in ClinVar:

ClinVar aggregate classification (germline): Uncertain significance (1 of 4 stars; one submission).

Allele frequency attached by ClinVar (database versions not stated): gnomAD 0.00001; gnomAD exomes 0.00001; ExAC 0.00002; TOPMed 0.00002.
gnomAD v4.1: 17 of 1,612,684 alleles (0.0011%); highest among the groups gnomAD compares: African/African-American, 0.004%; no homozygotes.

Submission:

Labcorp Genetics (formerly Invitae), Labcorp
Classification: Uncertain significance. Last evaluated: 2024-05-21. Review status: criteria provided, single submitter. Criteria: Invitae Variant Classification Sherloc (09022015). Collection method: clinical testing. Allele origin: germline.
Comment: This sequence change replaces arginine, which is basic and polar, with cysteine, which is neutral and slightly polar, at codon 364 of the RGS9 protein (p.Arg364Cys). This variant is present in population databases (rs769963081, gnomAD 0.002%). This variant has not been reported in the literature in individuals affected with RGS9-related conditions. ClinVar contains an entry for this variant (Variation ID: 1437665). Advanced modeling of protein sequence and biophysical properties (such as structural, functional, and spatial information, amino acid conservation, physicochemical variation, residue mobility, and thermodynamic stability) performed at Invitae indicates that this missense variant is not expected to disrupt RGS9 protein function with a negative predictive value of 80%. In summary, the available evidence is currently insufficient to determine the role of this variant in disease. Therefore, it has been classified as a Variant of Uncertain Significance.

NM_003835.4(RGS9):c.1090C>T (p.Arg364Cys)

Gene: RGS9 (regulator of G protein signaling 9; plus strand). Cytogenetic location: 17q24.1.
Variant type: single nucleotide variant.
Coding change: c.1090C>T on transcript NM_003835.4 (MANE Select); coding-DNA position 1090, C replaced by T.
Protein change: p.Arg364Cys; replaces arginine 364 with cysteine.
Molecular consequence: missense variant.
Genome position (GRCh38, 1-based): chr17:65,204,188, C>T. VCF-style: chr17-65204188-C-T. GRCh37 (hg19) VCF-style: chr17-63200306-C-T.
Other names: c.1081C>T, p.Arg361Cys (NM_001081955.3, NM_001165933.2); short protein forms R364C, R361C.
Identifiers: ClinVar variation 1437665 (VCV001437665.7), dbSNP rs769963081, ClinGen allele CA8717928.
Genomic context (GRCh38, chr17:65,204,188, plus strand): 5'-TAGTTACTTTTGCTAACATCTCCCTCCCACCCCAGGCTGTTCCTGGCCCCGGGGGCGAGG[C>T]GCTGGATCAACATAGATGGCAAAACCATGGACATCACAGTGAAGGGGCTGAAGCACCCCC-3'
Protein context (NP_003826.2, residues 354-374): YKLFLAPGAR[Arg364Cys]WINIDGKTMD